The following is an entry in ClinVar:

ClinVar aggregate classification (germline): Uncertain significance (1 of 4 stars; one submission).

gnomAD v4.1: 1 of 1,613,922 alleles (0.000062%); highest among the groups gnomAD compares: African/African-American, 0.0013%; no homozygotes.

Submission:

Labcorp Genetics (formerly Invitae), Labcorp
Classification: Uncertain significance. Last evaluated: 2025-10-27. Review status: criteria provided, single submitter. Criteria: Invitae Variant Classification Sherloc (09022015). Collection method: clinical testing. Allele origin: germline.
Comment: This sequence change replaces threonine, which is neutral and polar, with alanine, which is neutral and non-polar, at codon 496 of the GEN1 protein (p.Thr496Ala). This variant is not present in population databases (gnomAD no frequency). This variant has not been reported in the literature in individuals affected with GEN1-related conditions. ClinVar contains an entry for this variant (Variation ID: 3618564). An algorithm developed to predict the effect of missense changes on protein structure and function outputs the following: PolyPhen-2: "Benign". The alanine amino acid residue is found in multiple mammalian species, which suggests that this missense change does not adversely affect protein function. In summary, the available evidence is currently insufficient to determine the role of this variant in disease. Therefore, it has been classified as a Variant of Uncertain Significance.

NM_001130009.3(GEN1):c.1486A>G (p.Thr496Ala)

Gene: GEN1 (GEN1 structure-specific endonuclease; plus strand). Cytogenetic location: 2p24.2.
Variant type: single nucleotide variant.
Coding change: c.1486A>G on transcript NM_001130009.3 (MANE Select); coding-DNA position 1486, A replaced by G.
Protein change: p.Thr496Ala; replaces threonine 496 with alanine.
Molecular consequence: missense variant.
Genome position (GRCh38, 1-based): chr2:17,780,698, A>G. VCF-style: chr2-17780698-A-G. GRCh37 (hg19) VCF-style: chr2-17961965-A-G.
Other names: c.1486A>G, p.Thr496Ala (NM_182625.5); short protein forms T496A.
Identifiers: ClinVar variation 3618564 (VCV003618564.2).
Genomic context (GRCh38, chr2:17,780,698, plus strand): 5'-AACAATTTGCCAGAACCAGATGAAGTAATGAGCTTTCAGTCACACATGACTTTAAAACCC[A>G]CATGTGAAATCTTTCATAAGCAGAATTCCAAGTTAAATTCGGGGATTTCCCCTGATCCTA-3'
Protein context (NP_001123481.3, residues 486-506): SFQSHMTLKP[Thr496Ala]CEIFHKQNSK